The following is an entry in ClinVar:

NM_001356.5(DDX3X):c.1873G>A (p.Gly625Arg)

Gene: DDX3X (DEAD-box helicase 3 X-linked; plus strand). Cytogenetic location: Xp11.4.
Variant type: single nucleotide variant.
Coding change: c.1873G>A on transcript NM_001356.5 (MANE Select); coding-DNA position 1873, G replaced by A.
Protein change: p.Gly625Arg; replaces glycine 625 with arginine.
Molecular consequence: missense variant. On other transcripts: non-coding transcript variant (1).
Genome position (GRCh38, 1-based): chrX:41,347,415, G>A. VCF-style: chrX-41347415-G-A. GRCh37 (hg19) VCF-style: chrX-41206668-G-A.
Other names: c.1312G>A, p.Gly438Arg (NM_001363819.1); c.1870G>A, p.Gly624Arg (NM_001193416.3); c.1825G>A, p.Gly609Arg (NM_001193417.3); short protein forms G438R, G609R, G624R, G625R.
Identifiers: ClinVar variation 1718928 (VCV001718928.5), dbSNP rs1200557241, ClinGen allele CA412779454.

ClinVar aggregate classification (germline): Uncertain significance (1 of 4 stars; one submission).

Allele frequency attached by ClinVar (database versions not stated): gnomAD exomes below 0.00001.
gnomAD v4.1: 2 of 1,211,520 alleles (0.00017%); highest among the groups gnomAD compares: Admixed American, 0.0022%; no homozygotes.

Submission:

Labcorp Genetics (formerly Invitae), Labcorp
Classification: Uncertain significance. Last evaluated: 2022-09-06. Review status: criteria provided, single submitter. Criteria: Invitae Variant Classification Sherloc (09022015). Collection method: clinical testing. Allele origin: germline.
Comment: This variant has not been reported in the literature in individuals affected with DDX3X-related conditions. This sequence change replaces glycine, which is neutral and non-polar, with arginine, which is basic and polar, at codon 624 of the DDX3X protein (p.Gly624Arg). This variant is present in population databases (no rsID available, gnomAD 0.004%). Algorithms developed to predict the effect of missense changes on protein structure and function are either unavailable or do not agree on the potential impact of this missense change (SIFT: "Deleterious"; PolyPhen-2: "Not Available"; Align-GVGD: "Class C15"). In summary, the available evidence is currently insufficient to determine the role of this variant in disease. Therefore, it has been classified as a Variant of Uncertain Significance.